The following is an entry in ClinVar:

NM_000587.4(C7):c.1454C>T (p.Ala485Val)

Gene: C7 (complement C7; plus strand). Cytogenetic location: 5p13.1.
Variant type: single nucleotide variant.
Coding change: c.1454C>T on transcript NM_000587.4 (MANE Select); coding-DNA position 1454, C replaced by T.
Protein change: p.Ala485Val; replaces alanine 485 with valine.
Molecular consequence: missense variant.
Genome position (GRCh38, 1-based): chr5:40,958,226, C>T. VCF-style: chr5-40958226-C-T. GRCh37 (hg19) VCF-style: chr5-40958328-C-T.
Other names: short protein forms A485V.
Identifiers: ClinVar variation 1359426 (VCV001359426.3), dbSNP rs200622924, ClinGen allele CA3249972.

ClinVar aggregate classification (germline): Uncertain significance (1 of 4 stars; one submission).

Allele frequency attached by ClinVar (database versions not stated): gnomAD 0.00009; TOPMed 0.00011; ExAC 0.00012; gnomAD exomes 0.00015.
gnomAD v4.1: 190 of 1,611,062 alleles (0.012%); highest among the groups gnomAD compares: East Asian, 0.096%; no homozygotes.

Submission:

Labcorp Genetics (formerly Invitae), Labcorp
Classification: Uncertain significance. Last evaluated: 2022-09-07. Review status: criteria provided, single submitter. Criteria: Invitae Variant Classification Sherloc (09022015). Collection method: clinical testing. Allele origin: germline.
Comment: This sequence change replaces alanine, which is neutral and non-polar, with valine, which is neutral and non-polar, at codon 485 of the C7 protein (p.Ala485Val). This variant is present in population databases (rs200622924, gnomAD 0.07%). This variant has not been reported in the literature in individuals affected with C7-related conditions. ClinVar contains an entry for this variant (Variation ID: 1359426). Algorithms developed to predict the effect of missense changes on protein structure and function are either unavailable or do not agree on the potential impact of this missense change (SIFT: "Deleterious"; PolyPhen-2: "Probably Damaging"; Align-GVGD: "Class C0"). Algorithms developed to predict the effect of sequence changes on RNA splicing suggest that this variant may create or strengthen a splice site. In summary, the available evidence is currently insufficient to determine the role of this variant in disease. Therefore, it has been classified as a Variant of Uncertain Significance.